The following is an entry in ClinVar:

NM_000350.3(ABCA4):c.6282+8C>T

Gene: ABCA4 (ATP binding cassette subfamily A member 4; minus strand). Cytogenetic location: 1p22.1.
Variant type: single nucleotide variant.
Coding change: c.6282+8C>T on transcript NM_000350.3 (MANE Select); 8 bases into the intron after coding-DNA position 6282, C replaced by T.
Molecular consequence: intron variant.
Genome position (GRCh38, 1-based): chr1:94,001,850, G>A on the plus strand (C>T on the coding strand, the complement: ABCA4 is on the minus strand). VCF-style: chr1-94001850-G-A. GRCh37 (hg19) VCF-style: chr1-94467406-G-A.
Other names: c.6282+8C>T (NM_000350.2).
Identifiers: ClinVar variation 3005000 (VCV003005000.4), dbSNP rs778257948, ClinGen allele CA956975.

ClinVar aggregate classification (germline): Likely benign. Review status: criteria provided, single submitter (1 of 4 stars). 2 submissions from 2 submitters: Likely benign (1). 1 of the submissions does not count toward it. Last evaluated 2023-08-29.

Conditions:
ABCA4-related disorder. Also called: ABCA4-related condition; ABCA4-related disorders. Identifiers: MedGen CN239167.

Allele frequency attached by ClinVar (database versions not stated): TOPMed below 0.00001; ExAC 0.00003.
gnomAD v4.1: 35 of 1,614,184 alleles (0.0022%); highest among the groups gnomAD compares: Non-Finnish European, 0.0027%; no homozygotes.

Submissions (2):

Labcorp Genetics (formerly Invitae), Labcorp
Classification: Likely benign. Last evaluated: 2023-08-29. Review status: criteria provided, single submitter. Criteria: Invitae Variant Classification Sherloc (09022015). Collection method: clinical testing. Allele origin: germline.

PreventionGenetics, part of Exact Sciences
Classification: Likely benign for ABCA4-related condition. Last evaluated: 2024-09-18. Review status: no assertion criteria provided. Collection method: clinical testing. Allele origin: germline. Not counted in ClinVar's aggregate classification.
Comment: This variant is classified as likely benign based on ACMG/AMP sequence variant interpretation guidelines (Richards et al. 2015 PMID: 25741868, with internal and published modifications).